The following is an entry in ClinVar:

NM_000030.3(AGXT):c.573C>T (p.Thr191=)

Gene: AGXT (alanine--glyoxylate aminotransferase; plus strand). Cytogenetic location: 2q37.3.
Variant type: single nucleotide variant.
Coding change: c.573C>T on transcript NM_000030.3 (MANE Select); coding-DNA position 573, C replaced by T.
Protein change: p.Thr191=; no amino-acid change (threonine 191 retained).
Molecular consequence: synonymous variant.
Genome position (GRCh38, 1-based): chr2:240,873,027, C>T. VCF-style: chr2-240873027-C-T. GRCh37 (hg19) VCF-style: chr2-241812444-C-T.
Identifiers: ClinVar variation 719693 (VCV000719693.15), dbSNP rs146483092, ClinGen allele CA2209132.

ClinVar aggregate classification (germline): Benign/Likely benign. Review status: criteria provided, multiple submitters, no conflicts (2 of 4 stars). 5 submissions from 5 submitters: Benign (2); Likely benign (2). 1 of the submissions does not count toward it. Last evaluated 2026-02-02.

Conditions:
AGXT-related disorder. Also called: AGXT-related condition.
Primary hyperoxaluria, type I (HP1). Also called: GLYCOLIC ACIDURIA; HEPATIC AGT DEFICIENCY; OXALOSIS I; Primary hyperoxaluria type 1. Identifiers: Orphanet 416, Orphanet 93598, MedGen C0268164, MONDO:0009823, OMIM 259900. Disease mechanism: loss of function.

Allele frequency attached by ClinVar (database versions not stated): gnomAD exomes 0.00008 and 0.00022; ExAC 0.00025; 1000 Genomes Project 30x 0.00062; 1000 Genomes Project 0.00080; TOPMed 0.00104; gnomAD 0.00108; ESP Exome Variant Server 0.00115.
gnomAD v4.1: 273 of 1,613,894 alleles (0.017%); highest among the groups gnomAD compares: African/African-American, 0.34%; 6 homozygotes.

Submissions (5):

Labcorp Genetics (formerly Invitae), Labcorp
Classification: Benign. Last evaluated: 2026-02-02. Review status: criteria provided, single submitter. Criteria: Invitae Variant Classification Sherloc (09022015). Collection method: clinical testing. Allele origin: germline.

PreventionGenetics, part of Exact Sciences
Classification: Likely benign for AGXT-related condition. Last evaluated: 2024-10-28. Review status: criteria provided, single submitter. Criteria: ACMG Guidelines, 2015. Collection method: clinical testing. Allele origin: germline.
Comment: This variant is classified as likely benign based on ACMG/AMP sequence variant interpretation guidelines (Richards et al. 2015 PMID: 25741868, with internal and published modifications).

Fulgent Genetics
Classification: Likely benign for Primary hyperoxaluria, type I. Last evaluated: 2021-10-30. Review status: criteria provided, single submitter. Criteria: ACMG Guidelines, 2015. Collection method: clinical testing. Allele origin: unknown.

Breakthrough Genomics
Classification: Benign. Review status: criteria provided, single submitter. Criteria: ACMG Guidelines, 2015. Collection method: not provided. Allele origin: germline. Inheritance: Autosomal recessive inheritance. Affected: yes.

Natera, Inc.
Classification: Likely benign for Primary hyperoxaluria type I. Last evaluated: 2019-10-24. Review status: no assertion criteria provided. Collection method: clinical testing. Allele origin: germline. Not counted in ClinVar's aggregate classification.